The following is an entry in ClinVar:

ClinVar aggregate classification (germline): Conflicting classifications of pathogenicity. Review status: criteria provided, conflicting classifications (1 of 4 stars). 3 submissions from 3 submitters: Uncertain significance (2); Benign (1). Last evaluated 2025-12-08.

Conditions:
Oto-palato-digital syndrome, type II (OPD2). Also called: FACIOPALATOOSSEOUS SYNDROME; OPD II SYNDROME; Otopalatodigital Syndrome Type 2 (FLNA-OPD2); Otopalatodigital Syndrome, Type II. Identifiers: Orphanet 669, Orphanet 90652, MedGen C1844696, MONDO:0010571, OMIM 304120.
Heterotopia, periventricular, X-linked dominant (PVNH1). Also called: PERIVENTRICULAR NODULAR HETEROTOPIA 1; X-linked periventricular heterotopia; PERIVENTRICULAR NODULAR HETEROTOPIA 4; HETEROTOPIA, PERIVENTRICULAR, 1. Identifiers: Orphanet 2149, Orphanet 82004, MedGen C1848213, MONDO:0010233, OMIM 300049.
Melnick-Needles syndrome (MNS). Also called: MELNICK-NEEDLES OSTEODYSPLASTY; OSTEODYSPLASTY OF MELNICK AND NEEDLES; Melnick-Needles Syndrome (FLNA-MNS). Identifiers: Orphanet 2484, MedGen C0025237, MONDO:0010650, OMIM 309350.
Frontometaphyseal dysplasia (FMD1). Identifiers: Orphanet 1826, MedGen C0265293, MONDO:0015942.
FLNA-related disorder.

Allele frequency attached by ClinVar (database versions not stated): ESP Exome Variant Server 0.00010.
gnomAD v4.1: 9 of 1,208,765 alleles (0.00074%); highest among the groups gnomAD compares: African/African-American, 0.011%; no homozygotes.

Submissions (3):

Labcorp Genetics (formerly Invitae), Labcorp
Classification: Benign for Oto-palato-digital syndrome, type II; Heterotopia, periventricular, X-linked dominant; Frontometaphyseal dysplasia; Melnick-Needles syndrome. Last evaluated: 2025-12-08. Review status: criteria provided, single submitter. Criteria: Invitae Variant Classification Sherloc (09022015). Collection method: clinical testing. Allele origin: germline.

Women's Health and Genetics/Laboratory Corporation of America, LabCorp
Classification: Uncertain significance. Last evaluated: 2024-09-17. Review status: criteria provided, single submitter. Criteria: LabCorp Variant Classification Summary - May 2015. Collection method: clinical testing. Allele origin: germline.
Comment: Variant summary: FLNA c.1900C>T (p.Arg634Cys) results in a non-conservative amino acid change located in the Filamin/ABP280 repeat (IPR001298) of the encoded protein sequence. Three of five in-silico tools predict a damaging effect of the variant on protein function. The variant allele was found at a frequency of 2.2e-05 in 181467 control chromosomes (gnomAD). The available data on variant occurrences in the general population are insufficient to allow any conclusion about variant significance. To our knowledge, no occurrence of c.1900C>T in individuals affected with Periventricular Nodular Heterotopia 1 and no experimental evidence demonstrating its impact on protein function have been reported. ClinVar contains an entry for this variant (Variation ID: 2631579). Based on the evidence outlined above, the variant was classified as uncertain significance.

PreventionGenetics, part of Exact Sciences
Classification: Uncertain significance for FLNA-related condition. Last evaluated: 2023-08-12. Review status: criteria provided, single submitter. Criteria: ACMG Guidelines, 2015. Collection method: clinical testing. Allele origin: germline.
Comment: The FLNA c.1900C>T variant is predicted to result in the amino acid substitution p.Arg634Cys. To our knowledge, this variant has not been reported in the literature. This variant is reported in 0.024% of alleles in individuals of African descent in gnomAD. Although we suspect that this variant may be benign, at this time, the clinical significance of this variant is uncertain due to the absence of conclusive functional and genetic evidence.

NM_001110556.2(FLNA):c.1900C>T (p.Arg634Cys)

Gene: FLNA (filamin A; minus strand). Cytogenetic location: Xq28.
Variant type: single nucleotide variant.
Coding change: c.1900C>T on transcript NM_001110556.2 (MANE Select); coding-DNA position 1900, C replaced by T.
Protein change: p.Arg634Cys; replaces arginine 634 with cysteine.
Molecular consequence: missense variant.
Genome position (GRCh38, 1-based): chrX:154,364,648, G>A on the plus strand (C>T on the coding strand, the complement: FLNA is on the minus strand). VCF-style: chrX-154364648-G-A. GRCh37 (hg19) VCF-style: chrX-153593016-G-A.
Other names: c.1900C>T, p.Arg634Cys (NM_001456.4); short protein forms R634C.
Identifiers: ClinVar variation 2631579 (VCV002631579.5), dbSNP rs111516546, ClinGen allele CA10561054.